The following is an entry in ClinVar:

ClinVar aggregate classification (germline): Uncertain significance (1 of 4 stars; one submission).

Submission:

Mayo Clinic Laboratories, Mayo Clinic
Classification: Uncertain significance. Last evaluated: 2025-10-29. Review status: criteria provided, single submitter. Criteria: ACMG Guidelines, 2015. Collection method: clinical testing. Allele origin: germline. Observed: 1 variant allele.
Comment: PM2_supporting

NM_000022.4(ADA):c.146T>C (p.Val49Ala)

Genes: ADA (adenosine deaminase; minus strand), LOC107303343 (adenosine deaminase intronic regulatory elements; plus strand). Cytogenetic location: 20q13.12.
Variant type: single nucleotide variant.
Coding change: c.146T>C on transcript NM_000022.4 (MANE Select); coding-DNA position 146, T replaced by C.
Protein change: p.Val49Ala; replaces valine 49 with alanine.
Molecular consequence: missense variant. On other transcripts: 5 prime UTR variant (1), non-coding transcript variant (1).
Genome position (GRCh38, 1-based): chr20:44,629,119, A>G on the plus strand (T>C on the coding strand, the complement: ADA is on the minus strand). VCF-style: chr20-44629119-A-G. GRCh37 (hg19) VCF-style: chr20-43257760-A-G.
Other names: p.Val49Ala; c.-144T>C (NM_001322050.2); c.146T>C, p.Val49Ala (NM_001322051.2); short protein forms V49A.
Identifiers: ClinVar variation 4542391 (VCV004542391.1).